The following is an entry in ClinVar:

ClinVar aggregate classification (germline): Uncertain significance. Review status: criteria provided, multiple submitters, no conflicts (2 of 4 stars). 3 submissions from 3 submitters: Uncertain significance (3). Last evaluated 2025-03-14.

Conditions:
Dilated cardiomyopathy 1EE (CMD1EE). Identifiers: Orphanet 154, MedGen C2750466, MONDO:0013198, OMIM 613252.
Sick sinus syndrome 3, susceptibility to (SSS3). Identifiers: Orphanet 166282, MedGen C3279791, MONDO:0013568, OMIM 614090.
Atrial septal defect 3 (ASD3). Identifiers: Orphanet 1478, MedGen C3279790, MONDO:0013567, OMIM 614089.
Hypertrophic cardiomyopathy 14. Identifiers: MedGen C2750467, MONDO:0013197, OMIM 613251.
Hypertrophic cardiomyopathy 1 (CMH1). Also called: Familial hypertrophic cardiomyopathy 1; MYH7-Related Familial Hypertrophic Cardiomyopathy. Identifiers: MedGen C3495498, MONDO:0008647, OMIM 192600.
Cardiovascular phenotype. Identifiers: MedGen CN230736.

Allele frequency attached by ClinVar (database versions not stated): ExAC 0.00001; gnomAD 0.00001; gnomAD exomes 0.00002; TOPMed 0.00002.
gnomAD v4.1: 10 of 1,614,114 alleles (0.00062%); highest among the groups gnomAD compares: Admixed American, 0.0067%; no homozygotes.

Submissions (3):

Ambry Genetics
Classification: Uncertain significance for Cardiovascular phenotype. Last evaluated: 2025-03-14. Review status: criteria provided, single submitter. Criteria: Ambry Variant Classification Scheme 2023. Collection method: clinical testing. Allele origin: germline.
Comment: The p.A1280T variant (also known as c.3838G>A), located in coding exon 25 of the MYH6 gene, results from a G to A substitution at nucleotide position 3838. The alanine at codon 1280 is replaced by threonine, an amino acid with similar properties. This amino acid position is conserved. In addition, the in silico prediction for this alteration is inconclusive. Since supporting evidence is limited at this time, the clinical significance of this alteration remains unclear.

Labcorp Genetics (formerly Invitae), Labcorp
Classification: Uncertain significance for Hypertrophic cardiomyopathy 14. Last evaluated: 2024-11-15. Review status: criteria provided, single submitter. Criteria: Invitae Variant Classification Sherloc (09022015). Collection method: clinical testing. Allele origin: germline.
Comment: This sequence change replaces alanine, which is neutral and non-polar, with threonine, which is neutral and polar, at codon 1280 of the MYH6 protein (p.Ala1280Thr). This variant is present in population databases (rs762102758, gnomAD 0.0009%). This variant has not been reported in the literature in individuals affected with MYH6-related conditions. ClinVar contains an entry for this variant (Variation ID: 470532). Invitae Evidence Modeling of protein sequence and biophysical properties (such as structural, functional, and spatial information, amino acid conservation, physicochemical variation, residue mobility, and thermodynamic stability) indicates that this missense variant is not expected to disrupt MYH6 protein function with a negative predictive value of 80%. In summary, the available evidence is currently insufficient to determine the role of this variant in disease. Therefore, it has been classified as a Variant of Uncertain Significance.

Fulgent Genetics
Classification: Uncertain significance for Hypertrophic cardiomyopathy 1; Hypertrophic cardiomyopathy 14; Dilated cardiomyopathy 1EE; Atrial septal defect 3; Sick sinus syndrome 3, susceptibility to. Last evaluated: 2021-09-30. Review status: criteria provided, single submitter. Criteria: ACMG Guidelines, 2015. Collection method: clinical testing. Allele origin: unknown.

NM_002471.4(MYH6):c.3838G>A (p.Ala1280Thr)

Gene: MYH6 (myosin heavy chain 6; minus strand). Cytogenetic location: 14q11.2.
Variant type: single nucleotide variant.
Coding change: c.3838G>A on transcript NM_002471.4 (MANE Select); coding-DNA position 3838, G replaced by A.
Protein change: p.Ala1280Thr; replaces alanine 1280 with threonine.
Molecular consequence: missense variant.
Genome position (GRCh38, 1-based): chr14:23,389,614, C>T on the plus strand (G>A on the coding strand, the complement: MYH6 is on the minus strand). VCF-style: chr14-23389614-C-T. GRCh37 (hg19) VCF-style: chr14-23858823-C-T.
Other names: short protein forms A1280T.
Identifiers: ClinVar variation 470532 (VCV000470532.12), dbSNP rs762102758, ClinGen allele CA7115061.